The following is an entry in ClinVar:

NM_000465.4(BARD1):c.850G>C (p.Glu284Gln)

Gene: BARD1 (BRCA1 associated RING domain 1; minus strand). Cytogenetic location: 2q35.
Variant type: single nucleotide variant.
Coding change: c.850G>C on transcript NM_000465.4 (MANE Select); coding-DNA position 850, G replaced by C.
Protein change: p.Glu284Gln; replaces glutamic acid 284 with glutamine.
Molecular consequence: missense variant. On other transcripts: non-coding transcript variant (2), intron variant (3).
Genome position (GRCh38, 1-based): chr2:214,781,024, C>G on the plus strand (G>C on the coding strand, the complement: BARD1 is on the minus strand). VCF-style: chr2-214781024-C-G. GRCh37 (hg19) VCF-style: chr2-215645748-C-G.
Other names: c.793G>C, p.Glu265Gln (NM_001282543.2); c.158+28388G>C (NM_001282548.2); c.215+16037G>C (NM_001282545.2); c.364+11273G>C (NM_001282549.2); short protein forms E265Q, E284Q.
Identifiers: ClinVar variation 1763681 (VCV001763681.7), dbSNP rs1694987566, ClinGen allele CA350455247.
Genomic context (GRCh38, chr2:214,781,024, plus strand): 5'-AGACCTTCTCAGGAGTCACTACTTCATTCCTGCTCTTAGTGTCTGGAGACTCTATTTGCT[C>G]AGCCAATGGTAAAGAGACTTCAGTTAAACTTCCAAAACATTCAGATTCTGTCAAGGAGCC-3'
Protein context (NP_000456.2, residues 274-294): SLTEVSLPLA[Glu284Gln]QIESPDTKSR

ClinVar aggregate classification (germline): Uncertain significance. Review status: criteria provided, multiple submitters, no conflicts (2 of 4 stars). 2 submissions from 2 submitters: Uncertain significance (2). Last evaluated 2025-08-08.

Conditions:
Hereditary cancer-predisposing syndrome. Also called: Neoplastic Syndromes, Hereditary; Tumor predisposition; Hereditary Cancer Syndrome; Hereditary neoplastic syndrome. Identifiers: Orphanet 140162, MedGen C0027672, MeSH D009386, MONDO:0015356.
Familial cancer of breast. Also called: hereditary breast carcinoma; BREAST CANCER, FAMILIAL; Hereditary breast cancer. Identifiers: Orphanet 227535, MedGen C0346153, MONDO:0016419, OMIM 114480. Disease mechanism: loss of function.

Submissions (2):

Ambry Genetics
Classification: Uncertain significance for Hereditary cancer-predisposing syndrome. Last evaluated: 2025-08-08. Review status: criteria provided, single submitter. Criteria: Ambry Variant Classification Scheme 2023. Collection method: clinical testing. Allele origin: germline.
Comment: The p.E284Q variant (also known as c.850G>C), located in coding exon 4 of the BARD1 gene, results from a G to C substitution at nucleotide position 850. The glutamic acid at codon 284 is replaced by glutamine, an amino acid with highly similar properties. This amino acid position is not well conserved in available vertebrate species. In addition, this alteration is predicted to be tolerated by in silico analysis. Since supporting evidence is limited at this time, the clinical significance of this alteration remains unclear.

Labcorp Genetics (formerly Invitae), Labcorp
Classification: Uncertain significance for Familial cancer of breast. Last evaluated: 2023-01-24. Review status: criteria provided, single submitter. Criteria: Invitae Variant Classification Sherloc (09022015). Collection method: clinical testing. Allele origin: germline.
Comment: This variant has not been reported in the literature in individuals affected with BARD1-related conditions. ClinVar contains an entry for this variant (Variation ID: 1763681). This variant is not present in population databases (gnomAD no frequency). This sequence change replaces glutamic acid, which is acidic and polar, with glutamine, which is neutral and polar, at codon 284 of the BARD1 protein (p.Glu284Gln). In summary, the available evidence is currently insufficient to determine the role of this variant in disease. Therefore, it has been classified as a Variant of Uncertain Significance. Algorithms developed to predict the effect of missense changes on protein structure and function are either unavailable or do not agree on the potential impact of this missense change (SIFT: "Tolerated"; PolyPhen-2: "Possibly Damaging"; Align-GVGD: "Class C0").